The following is an entry in ClinVar:

NM_006019.4(TCIRG1):c.826C>T (p.Arg276Trp)

Gene: TCIRG1 (T cell immune regulator 1, ATPase H+ transporting V0 subunit a3; plus strand). Cytogenetic location: 11q13.2.
Variant type: single nucleotide variant.
Coding change: c.826C>T on transcript NM_006019.4 (MANE Select); coding-DNA position 826, C replaced by T.
Protein change: p.Arg276Trp; replaces arginine 276 with tryptophan.
Molecular consequence: missense variant. On other transcripts: 5 prime UTR variant (1).
Genome position (GRCh38, 1-based): chr11:68,044,150, C>T. VCF-style: chr11-68044150-C-T. GRCh37 (hg19) VCF-style: chr11-67811617-C-T.
Other names: c.-69C>T (NM_001351059.2); c.178C>T, p.Arg60Trp (NM_006053.4); short protein forms R276W, R60W.
Identifiers: ClinVar variation 593464 (VCV000593464.22), dbSNP rs543099977, ClinGen allele CA6146835.

ClinVar aggregate classification (germline): Conflicting classifications of pathogenicity. Review status: criteria provided, conflicting classifications (1 of 4 stars). 5 submissions from 5 submitters: Uncertain significance (1); Likely benign (2). 2 of the submissions do not count toward it. Last evaluated 2026-01-27.

Conditions:
TCIRG1-related disorder. Also called: TCIRG1-related condition.
Autosomal recessive osteopetrosis 1. Also called: TCIRG1-Related Autosomal Recessive Osteopetrosis; ALBERS-SCHONBERG DISEASE, AUTOSOMAL RECESSIVE; TCIRG1-Related Osteopetrosis. Identifiers: Orphanet 667, MedGen C1850127, MONDO:0009815, OMIM 259700.

Allele frequency attached by ClinVar (database versions not stated): gnomAD 0.00008 and 0.00015; ExAC 0.00013; TOPMed 0.00021; gnomAD exomes 0.00027; 1000 Genomes Project 30x 0.00156; 1000 Genomes Project 0.00160.
gnomAD v4.1: 143 of 1,550,112 alleles (0.0092%); highest among the groups gnomAD compares: East Asian, 0.14%; no homozygotes.

Submissions (5):

Labcorp Genetics (formerly Invitae), Labcorp
Classification: Likely benign. Last evaluated: 2026-01-27. Review status: criteria provided, single submitter. Criteria: Invitae Variant Classification Sherloc (09022015). Collection method: clinical testing. Allele origin: germline.

Illumina Laboratory Services, Illumina
Classification: Likely benign for Autosomal recessive osteopetrosis 1. Last evaluated: 2018-01-13. Review status: criteria provided, single submitter. Criteria: ICSL Variant Classification Criteria 13 December 2019. Collection method: clinical testing. Allele origin: germline.
Comment: This variant was observed in the ICSL laboratory as part of a predisposition screen in an ostensibly healthy population. It had not been previously curated by ICSL or reported in the Human Gene Mutation Database (HGMD: prior to June 1st, 2018), and was therefore a candidate for classification through an automated scoring system. Utilizing variant allele frequency, disease prevalence and penetrance estimates, and inheritance mode, an automated score was calculated to assess if this variant is too frequent to cause the disease. Based on the score and internal cut-off values, a variant classified as likely benign is not then subjected to further curation. The score for this variant resulted in a classification of likely benign for this disease.

Eurofins Ntd Llc (ga)
Classification: Uncertain significance. Last evaluated: 2017-08-08. Review status: criteria provided, single submitter. Criteria: EGL Classification Definitions 2015. Collection method: clinical testing. Allele origin: germline. Observed: 1 variant allele, 1 heterozygote.

PreventionGenetics, part of Exact Sciences
Classification: Likely benign for TCIRG1-related condition. Last evaluated: 2024-03-27. Review status: no assertion criteria provided. Collection method: clinical testing. Allele origin: germline. Not counted in ClinVar's aggregate classification.
Comment: This variant is classified as likely benign based on ACMG/AMP sequence variant interpretation guidelines (Richards et al. 2015 PMID: 25741868, with internal and published modifications).

Natera, Inc.
Classification: Uncertain significance for Infantile malignant osteopetrosis. Last evaluated: 2020-04-15. Review status: no assertion criteria provided. Collection method: clinical testing. Allele origin: germline. Not counted in ClinVar's aggregate classification.